The following is an entry in ClinVar:

ClinVar aggregate classification (germline): Conflicting classifications of pathogenicity. Review status: criteria provided, conflicting classifications (1 of 4 stars). 2 submissions from 2 submitters: Uncertain significance (1); Benign (1). Last evaluated 2023-09-21.

Conditions:
Hereditary cancer-predisposing syndrome. Also called: Neoplastic Syndromes, Hereditary; Tumor predisposition; Hereditary neoplastic syndrome; Hereditary Cancer Syndrome. Identifiers: Orphanet 140162, MedGen C0027672, MeSH D009386, MONDO:0015356.
Tuberous sclerosis 2 (TSC2). Identifiers: Orphanet 805, MedGen C1860707, MONDO:0013199, OMIM 613254.

Allele frequency attached by ClinVar (database versions not stated): gnomAD exomes below 0.00001.
gnomAD v4.1: 1 of 1,613,088 alleles (0.000062%); highest among the groups gnomAD compares: Non-Finnish European, 0.000085%; no homozygotes.

Submissions (2):

Labcorp Genetics (formerly Invitae), Labcorp
Classification: Benign for Tuberous sclerosis 2. Last evaluated: 2023-09-21. Review status: criteria provided, single submitter. Criteria: Invitae Variant Classification Sherloc (09022015). Collection method: clinical testing. Allele origin: germline.

Ambry Genetics
Classification: Uncertain significance for Hereditary cancer-predisposing syndrome. Last evaluated: 2017-12-08. Review status: criteria provided, single submitter. Criteria: Ambry Variant Classification Scheme 2023. Collection method: clinical testing. Allele origin: germline.
Comment: The p.A974V variant (also known as c.2921C>T), located in coding exon 25 of the TSC2 gene, results from a C to T substitution at nucleotide position 2921. The alanine at codon 974 is replaced by valine, an amino acid with similar properties. This amino acid position is well conserved in available vertebrate species. In addition, this alteration is predicted to be deleterious by in silico analysis. Since supporting evidence is limited at this time, the clinical significance of this alteration remains unclear.

NM_000548.5(TSC2):c.2921C>T (p.Ala974Val)

Gene: TSC2 (TSC complex subunit 2; plus strand). Cytogenetic location: 16p13.3.
Variant type: single nucleotide variant.
Coding change: c.2921C>T on transcript NM_000548.5 (MANE Select); coding-DNA position 2921, C replaced by T.
Protein change: p.Ala974Val; replaces alanine 974 with valine.
Molecular consequence: missense variant. On other transcripts: intron variant (9).
Genome position (GRCh38, 1-based): chr16:2,077,681, C>T. VCF-style: chr16-2077681-C-T. GRCh37 (hg19) VCF-style: chr16-2127682-C-T.
Other names: c.2837+1096C>T (NM_001077183.3, NM_021055.3, NM_001370405.1 and 2 more transcripts); c.2726+1096C>T (NM_001318827.2); c.2237+1096C>T (NM_001318831.2); c.2690+1096C>T (NM_001318829.2); c.2870+1096C>T (NM_001318832.2); c.2921C>T, p.Ala974Val (NM_001114382.3, NM_001406663.1, NM_001406664.1); c.2810C>T, p.Ala937Val (NM_001406670.1); c.2774C>T, p.Ala925Val (NM_001406675.1, NM_001406676.1); and 2 more; short protein forms A937V, A774V, A526V, A974V, A925V.
Identifiers: ClinVar variation 1797718 (VCV001797718.5), dbSNP rs1289330733, ClinGen allele CA394281329.